The following is an entry in ClinVar:

ClinVar aggregate classification (germline): Uncertain significance (1 of 4 stars; one submission).

Conditions:
Gastrointestinal stromal tumor. Also called: Gastrointestinal stroma tumor; Gastrointestinal stromal tumor, somatic. Identifiers: Orphanet 44890, MedGen C0238198, MeSH D046152, MONDO:0011719, OMIM 606764, HP:0100723.

Submission:

Labcorp Genetics (formerly Invitae), Labcorp
Classification: Uncertain significance for Gastrointestinal stromal tumor. Last evaluated: 2022-11-19. Review status: criteria provided, single submitter. Criteria: Invitae Variant Classification Sherloc (09022015). Collection method: clinical testing. Allele origin: germline.
Comment: In summary, the available evidence is currently insufficient to determine the role of this variant in disease. Therefore, it has been classified as a Variant of Uncertain Significance. Algorithms developed to predict the effect of missense changes on protein structure and function (SIFT, PolyPhen-2, Align-GVGD) all suggest that this variant is likely to be disruptive. ClinVar contains an entry for this variant (Variation ID: 528591). This variant has not been reported in the literature in individuals affected with KIT-related conditions. This variant is not present in population databases (gnomAD no frequency). This sequence change replaces leucine, which is neutral and non-polar, with valine, which is neutral and non-polar, at codon 783 of the KIT protein (p.Leu783Val).

NM_000222.3(KIT):c.2347C>G (p.Leu783Val)

Gene: KIT (KIT proto-oncogene, receptor tyrosine kinase; plus strand). Cytogenetic location: 4q12.
Variant type: single nucleotide variant.
Coding change: c.2347C>G on transcript NM_000222.3 (MANE Select); coding-DNA position 2347, C replaced by G.
Protein change: p.Leu783Val; replaces leucine 783 with valine.
Molecular consequence: missense variant.
Genome position (GRCh38, 1-based): chr4:54,731,984, C>G. VCF-style: chr4-54731984-C-G. GRCh37 (hg19) VCF-style: chr4-55598150-C-G.
Other names: c.2335C>G, p.Leu779Val (NM_001093772.2, NM_001385292.1); c.2350C>G, p.Leu784Val (NM_001385284.1); c.2344C>G, p.Leu782Val (NM_001385285.1); c.2332C>G, p.Leu778Val (NM_001385286.1); c.2338C>G, p.Leu780Val (NM_001385288.1); c.2347C>G, p.Leu783Val (NM_001385290.1); short protein forms L783V, L779V, L778V, L780V, L782V, L784V.
Identifiers: ClinVar variation 528591 (VCV000528591.9), dbSNP rs1379848125, ClinGen allele CA356911138.